The following is an entry in ClinVar:

NM_152517.3(IFT70B):c.1613A>G (p.Lys538Arg)

Gene: IFT70B (intraflagellar transport 70B; minus strand). Cytogenetic location: 2q31.2.
Variant type: single nucleotide variant.
Coding change: c.1613A>G on transcript NM_152517.3 (MANE Select); coding-DNA position 1613, A replaced by G.
Protein change: p.Lys538Arg; replaces lysine 538 with arginine.
Molecular consequence: missense variant.
Genome position (GRCh38, 1-based): chr2:177,551,151, T>C on the plus strand (A>G on the coding strand, the complement: IFT70B is on the minus strand). VCF-style: chr2-177551151-T-C. GRCh37 (hg19) VCF-style: chr2-178415879-T-C.
Other names: c.1613A>G (NM_152517.2); short protein forms K538R.
Identifiers: ClinVar variation 2651567 (VCV002651567.26), dbSNP rs186368198, ClinGen allele CA1980562.

ClinVar aggregate classification (germline): Likely benign. Review status: criteria provided, multiple submitters, no conflicts (2 of 4 stars). 3 submissions from 3 submitters: Likely benign (2). 1 of the submissions does not count toward it. Last evaluated 2025-08-02.

Conditions:
IFT70B-related disorder. Also called: IFT70B-related condition.

Allele frequency attached by ClinVar (database versions not stated): ExAC 0.00157.

Submissions (3):

Ambry Genetics
Classification: Likely benign. Last evaluated: 2025-08-02. Review status: criteria provided, single submitter. Criteria: Ambry Variant Classification Scheme 2023. Collection method: clinical testing. Allele origin: germline.

CeGaT Center for Human Genetics Tuebingen
Classification: Likely benign. Last evaluated: 2022-06-01. Review status: criteria provided, single submitter. Criteria: CeGaT Center For Human Genetics Tuebingen Variant Classification Criteria Version 2. Collection method: clinical testing. Allele origin: germline. Affected: yes. Observed: 1 variant allele.
Comment: IFT70B: BP4

PreventionGenetics, part of Exact Sciences
Classification: Likely benign for IFT70B-related condition. Last evaluated: 2023-04-03. Review status: no assertion criteria provided. Collection method: clinical testing. Allele origin: germline. Not counted in ClinVar's aggregate classification.
Comment: This variant is classified as likely benign based on ACMG/AMP sequence variant interpretation guidelines (Richards et al. 2015 PMID: 25741868, with internal and published modifications).